The following is an entry in ClinVar:

NM_021098.3(CACNA1H):c.2770C>T (p.Leu924Phe)

Gene: CACNA1H (calcium voltage-gated channel subunit alpha1 H; plus strand). Cytogenetic location: 16p13.3.
Variant type: single nucleotide variant.
Coding change: c.2770C>T on transcript NM_021098.3 (MANE Select); coding-DNA position 2770, C replaced by T.
Protein change: p.Leu924Phe; replaces leucine 924 with phenylalanine.
Molecular consequence: missense variant.
Genome position (GRCh38, 1-based): chr16:1,206,270, C>T. VCF-style: chr16-1206270-C-T. GRCh37 (hg19) VCF-style: chr16-1256270-C-T.
Other names: c.2770C>T, p.Leu924Phe (NM_001005407.2); short protein forms L924F.
Identifiers: ClinVar variation 2941444 (VCV002941444.3), dbSNP rs2141298038, ClinGen allele CA394169479.
Genomic context (GRCh38, chr16:1,206,270, plus strand): 5'-CAGCTCGTGGTGCTGGTGAAGACCATGGACAACGTGGCTACCTTCTGCACGCTGCTCATG[C>T]TCTTCATTTTCATCTTCAGGTGGGCGCAACCCCCCTCCCGGCCCGCCCAGTGTCTCACCC-3'
Protein context (NP_066921.2, residues 914-934): NVATFCTLLM[Leu924Phe]FIFIFSILGM

ClinVar aggregate classification (germline): Uncertain significance (1 of 4 stars; one submission).

Conditions:
Idiopathic generalized epilepsy. Also called: EIG; Generalised epilepsy. Identifiers: MedGen C0270850, MONDO:0005579, OMIM 600669.
Hyperaldosteronism, familial, type IV (HALD4). Also called: FH IV; ALDOSTERONISM, PRIMARY, AND HYPERTENSION. Identifiers: Orphanet 642671, MedGen C4310756, MONDO:0014875, OMIM 617027.

gnomAD v4.1: 1 of 1,562,164 alleles (0.000064%); highest among the groups gnomAD compares: Non-Finnish European, 0.000087%; no homozygotes.

Submission:

Labcorp Genetics (formerly Invitae), Labcorp
Classification: Uncertain significance for Idiopathic generalized epilepsy; Hyperaldosteronism, familial, type IV. Last evaluated: 2022-11-10. Review status: criteria provided, single submitter. Criteria: Invitae Variant Classification Sherloc (09022015). Collection method: clinical testing. Allele origin: germline.
Comment: This sequence change replaces leucine, which is neutral and non-polar, with phenylalanine, which is neutral and non-polar, at codon 924 of the CACNA1H protein (p.Leu924Phe). This variant is not present in population databases (gnomAD no frequency). This variant has not been reported in the literature in individuals affected with CACNA1H-related conditions. Advanced modeling of protein sequence and biophysical properties (such as structural, functional, and spatial information, amino acid conservation, physicochemical variation, residue mobility, and thermodynamic stability) performed at Invitae indicates that this missense variant is expected to disrupt CACNA1H protein function. In summary, the available evidence is currently insufficient to determine the role of this variant in disease. Therefore, it has been classified as a Variant of Uncertain Significance.